The following is an entry in ClinVar:

ClinVar aggregate classification (germline): Uncertain significance. Review status: criteria provided, multiple submitters, no conflicts (2 of 4 stars). 2 submissions from 2 submitters: Uncertain significance (2). Last evaluated 2023-03-25.

Conditions:
Cardiovascular phenotype. Identifiers: MedGen CN230736.

Allele frequency attached by ClinVar (database versions not stated): gnomAD exomes below 0.00001; ExAC 0.00001; gnomAD 0.00001; TOPMed 0.00002.
gnomAD v4.1: 2 of 1,614,002 alleles (0.00012%); highest among the groups gnomAD compares: African/African-American, 0.0027%; no homozygotes.

Submissions (2):

Ambry Genetics
Classification: Uncertain significance for Cardiovascular phenotype. Last evaluated: 2023-03-25. Review status: criteria provided, single submitter. Criteria: Ambry Variant Classification Scheme 2023. Collection method: clinical testing. Allele origin: germline.
Comment: The p.D1133E variant (also known as c.3399C>G), located in coding exon 30 of the ANK2 gene, results from a C to G substitution at nucleotide position 3399. The aspartic acid at codon 1133 is replaced by glutamic acid, an amino acid with highly similar properties. This amino acid position is conserved. In addition, this alteration is predicted to be tolerated by in silico analysis. Since supporting evidence is limited at this time, the clinical significance of this alteration remains unclear.

GeneDx
Classification: Uncertain significance. Last evaluated: 2017-03-22. Review status: criteria provided, single submitter. Criteria: GeneDx Variant Classification (06012015). Collection method: clinical testing. Allele origin: germline. Affected: yes.
Comment: The D1133E variant of uncertain significance in the ANK2 gene has not been published as pathogenic or been reported as benign to our knowledge. This variant is not observed at a significant frequency in large population cohorts (Lek et al., 2016; 1000 Genomes Consortium et al., 2015; Exome Variant Server). However, the D1133E variant is a conservative amino acid substitution, which is not likely to impact secondary protein structure as these residues share similar properties. This substitution occurs at a position where amino acids with similar properties to aspartic acid are tolerated across species, and glutamic acid is the wild-type amino acid at this position in multiple species. Furthermore, in silico analysis is inconsistent in its predictions as to whether or not the variant is damaging to the protein structure/function.

NM_001148.6(ANK2):c.3399C>G (p.Asp1133Glu)

Gene: ANK2 (ankyrin 2; plus strand). Cytogenetic location: 4q26.
Variant type: single nucleotide variant.
Coding change: c.3399C>G on transcript NM_001148.6 (MANE Select); coding-DNA position 3399, C replaced by G.
Protein change: p.Asp1133Glu; replaces aspartic acid 1133 with glutamic acid.
Molecular consequence: missense variant.
Genome position (GRCh38, 1-based): chr4:113,335,865, C>G. VCF-style: chr4-113335865-C-G. GRCh37 (hg19) VCF-style: chr4-114257021-C-G.
Other names: c.3372C>G, p.Asp1124Glu (NM_001127493.3); c.3411C>G, p.Asp1137Glu (NM_001354225.2); c.3300C>G, p.Asp1100Glu (NM_001354228.2, NM_001354258.2); c.3378C>G, p.Asp1126Glu (NM_001354230.2); c.3441C>G, p.Asp1147Glu (NM_001354231.2, NM_001354242.2); c.3435C>G, p.Asp1145Glu (NM_001354232.2); c.3396C>G, p.Asp1132Glu (NM_001354235.2, NM_001354246.2, NM_001354265.2); c.3297C>G, p.Asp1099Glu (NM_001354236.2); and 30 more; short protein forms D1124E, D1133E, D1046E, D1058E, D321E, D1062E, D1067E, D1078E.
Identifiers: ClinVar variation 424417 (VCV000424417.4), dbSNP rs748934954, ClinGen allele CA3050843.
Genomic context (GRCh38, chr4:113,335,865, plus strand): 5'-TCTTTGCTATGTGAATGAAGGTGGGTCATTTCTTGTCTTAGTACTGGATAGCCCAGAAGA[C>G]CTAGAAAAGAAACGAATCTGCCGCATCATCACCCGAGACTTCCCACAGTACTTTGCAGTG-3'
Protein context (NP_001139.3, residues 1123-1143): GMDEVLDSPE[Asp1133Glu]LEKKRICRII